The following is an entry in ClinVar:

ClinVar aggregate classification (germline): Pathogenic (1 of 4 stars; one submission).

Conditions:
Rauch-Steindl syndrome (RAUST). Identifiers: Orphanet 659642, MedGen C5562061, MONDO:0859219, OMIM 619695.

Submission:

Greenwood Genetic Center Diagnostic Laboratories, Greenwood Genetic Center
Classification: Pathogenic for Rauch-Steindl syndrome. Last evaluated: 2025-05-13. Review status: criteria provided, single submitter. Criteria: ACMG Guidelines, 2015. Collection method: clinical testing. Allele origin: germline. Affected: yes.
Comment: PVS1, PS3_Moderate, PM2

NM_001042424.3(NSD2):c.3298del (p.Glu1100fs)

Gene: NSD2 (nuclear receptor binding SET domain protein 2; plus strand). Cytogenetic location: 4p16.3.
Variant type: Deletion.
Coding change: c.3298del on transcript NM_001042424.3 (MANE Select); coding-DNA position 3298, one base deleted (G; older notation c.3298delG).
Protein change: p.Glu1100fs; shifts the reading frame from glutamic acid 1100.
Molecular consequence: frameshift variant. On other transcripts: intron variant (2).
Genome position (GRCh38, 1-based): chr4:1,961,077, G deleted; the last of 2 consecutive G bases (chr4:1,961,076-1,961,077); deleting either gives the same sequence. VCF-style (leftmost placement, unchanged base first): chr4-1961075-AG-A. GRCh37 (hg19) VCF-style: chr4-1962802-AG-A.
Other names: c.3298del, p.Glu1100fs (NM_001440892.1, NM_133330.3, NM_133331.3 and 1 more transcripts); c.3397del, p.Glu1133fs (NM_001440893.1); c.3151del, p.Glu1051fs (NM_001440895.1); c.3097del, p.Glu1033fs (NM_001440896.1); c.3091del, p.Glu1031fs (NM_001440897.1); c.2329del, p.Glu777fs (NM_001440899.1, NM_001440900.1); c.3255+1337del (NM_001440894.1); c.3048+1337del (NM_001440898.1); short protein forms E1031fs, E1033fs, E1051fs, E1100fs, E1133fs, E777fs.
Identifiers: ClinVar variation 4538234 (VCV004538234.1).